The following is an entry in ClinVar:

NM_001933.5(DLST):c.442+39C>G

Gene: DLST (dihydrolipoamide S-succinyltransferase; plus strand). Cytogenetic location: 14q24.3.
Variant type: single nucleotide variant.
Coding change: c.442+39C>G on transcript NM_001933.5 (MANE Select); 39 bases into the intron after coding-DNA position 442, C replaced by G.
Molecular consequence: intron variant. On other transcripts: missense variant (1).
Genome position (GRCh38, 1-based): chr14:74,891,206, C>G. VCF-style: chr14-74891206-C-G. GRCh37 (hg19) VCF-style: chr14-75357909-C-G.
Other names: c.481C>G, p.Pro161Ala (NM_001244883.2); short protein forms P161A.
Identifiers: ClinVar variation 3054284 (VCV003054284.2), dbSNP rs199817745, ClinGen allele CA7273497.
Genomic context (GRCh38, chr14:74,891,206, plus strand): 5'-TTCACACTCAGGAAAACTGGTGGTAAAGAAGTTCTCCTGGTGGTCAAGGTCTCCAGTGTT[C>G]CCTCTTGGGATTGGGACTGAGCATAATGTGCTAATTCCCCGATATGTCAAAGACTCTTGT-3'

ClinVar aggregate classification (germline): Likely benign (0 of 4 stars; one submission).

Conditions:
DLST-related disorder. Also called: DLST-related condition.

Allele frequency attached by ClinVar (database versions not stated): gnomAD 0.00005; TOPMed 0.00007; ExAC 0.00011; 1000 Genomes Project 30x 0.00016; 1000 Genomes Project 0.00020.
gnomAD v4.1: 38 of 1,613,478 alleles (0.0024%); highest among the groups gnomAD compares: East Asian, 0.078%; no homozygotes.

Submission:

PreventionGenetics, part of Exact Sciences
Classification: Likely benign for DLST-related condition. Last evaluated: 2022-04-25. Review status: no assertion criteria provided. Collection method: clinical testing. Allele origin: germline.
Comment: This variant is classified as likely benign based on ACMG/AMP sequence variant interpretation guidelines (Richards et al. 2015 PMID: 25741868, with internal and published modifications).